The following is an entry in ClinVar:

NM_006567.5(FARS2):c.20G>A (p.Arg7Lys)

Genes: FARS2 (phenylalanyl-tRNA synthetase 2, mitochondrial; plus strand), LOC126859565 (CDK7 strongly-dependent group 2 enhancer GRCh37_chr6:5368745-5369944; plus strand). Cytogenetic location: 6p25.1.
Variant type: single nucleotide variant.
Coding change: c.20G>A on transcript NM_006567.5 (MANE Select); coding-DNA position 20, G replaced by A.
Protein change: p.Arg7Lys; replaces arginine 7 with lysine.
Molecular consequence: missense variant. On other transcripts: intron variant (2).
Genome position (GRCh38, 1-based): chr6:5,368,590, G>A. VCF-style: chr6-5368590-G-A. GRCh37 (hg19) VCF-style: chr6-5368823-G-A.
Other names: c.20G>A, p.Arg7Lys (NM_001318872.2, NM_001374875.1, NM_001374876.1 and 5 more transcripts); c.-340-28043G>A (NM_001375260.1); c.-84-35952G>A (NM_001375259.1); short protein forms R7K.
Identifiers: ClinVar variation 1353934 (VCV001353934.6), dbSNP rs2127642730, ClinGen allele CA362734375.

ClinVar aggregate classification (germline): Uncertain significance (1 of 4 stars; one submission).

Conditions:
Combined oxidative phosphorylation defect type 14. Also called: Combined oxidative phosphorylation deficiency 14. Identifiers: Orphanet 319519, MedGen C4755312, MONDO:0013986, OMIM 614946.

Submission:

Labcorp Genetics (formerly Invitae), Labcorp
Classification: Uncertain significance for Combined oxidative phosphorylation defect type 14. Last evaluated: 2021-11-27. Review status: criteria provided, single submitter. Criteria: Invitae Variant Classification Sherloc (09022015). Collection method: clinical testing. Allele origin: germline.
Comment: In summary, the available evidence is currently insufficient to determine the role of this variant in disease. Therefore, it has been classified as a Variant of Uncertain Significance. Advanced modeling of protein sequence and biophysical properties (such as structural, functional, and spatial information, amino acid conservation, physicochemical variation, residue mobility, and thermodynamic stability) performed at Invitae indicates that this missense variant is not expected to disrupt FARS2 protein function. This variant has not been reported in the literature in individuals affected with FARS2-related conditions. This variant is not present in population databases (gnomAD no frequency). This sequence change replaces arginine, which is basic and polar, with lysine, which is basic and polar, at codon 7 of the FARS2 protein (p.Arg7Lys).